The following is an entry in ClinVar:

ClinVar aggregate classification (germline): Uncertain significance (1 of 4 stars; one submission).

Submission:

Ambry Genetics
Classification: Uncertain significance. Last evaluated: 2022-08-09. Review status: criteria provided, single submitter. Criteria: Ambry Variant Classification Scheme 2023. Collection method: clinical testing. Allele origin: germline.
Comment: The p.P246L variant (also known as c.737C>T), located in coding exon 6 of the RECQL gene, results from a C to T substitution at nucleotide position 737. The proline at codon 246 is replaced by leucine, an amino acid with similar properties. This amino acid position is conserved. In addition, this alteration is predicted to be deleterious by in silico analysis. Since supporting evidence is limited at this time, the clinical significance of this alteration remains unclear.

NM_002907.4(RECQL):c.737C>T (p.Pro246Leu)

Gene: RECQL (RecQ like helicase; minus strand). Cytogenetic location: 12p12.1.
Variant type: single nucleotide variant.
Coding change: c.737C>T on transcript NM_002907.4 (MANE Select); coding-DNA position 737, C replaced by T.
Protein change: p.Pro246Leu; replaces proline 246 with leucine.
Molecular consequence: missense variant.
Genome position (GRCh38, 1-based): chr12:21,477,933, G>A on the plus strand (C>T on the coding strand, the complement: RECQL is on the minus strand). VCF-style: chr12-21477933-G-A. GRCh37 (hg19) VCF-style: chr12-21630867-G-A.
Other names: c.737C>T, p.Pro246Leu (NM_032941.3); short protein forms P246L.
Identifiers: ClinVar variation 1758605 (VCV001758605.2), dbSNP rs2540357004, ClinGen allele CA384124933.